The following is an entry in ClinVar:

ClinVar aggregate classification (germline): Uncertain significance (1 of 4 stars; one submission).

Conditions:
Fanconi anemia complementation group O. Also called: RAD51C-Related Fanconi Anemia. Identifiers: Orphanet 84, MedGen C3150653, MONDO:0013248, OMIM 613390.

Submission:

Labcorp Genetics (formerly Invitae), Labcorp
Classification: Uncertain significance for Fanconi anemia complementation group O. Last evaluated: 2024-12-18. Review status: criteria provided, single submitter. Criteria: Invitae Variant Classification Sherloc (09022015). Collection method: clinical testing. Allele origin: germline.
Comment: This sequence change replaces aspartic acid, which is acidic and polar, with valine, which is neutral and non-polar, at codon 108 of the RAD51C protein (p.Asp108Val). This variant is not present in population databases (gnomAD no frequency). This variant has not been reported in the literature in individuals affected with RAD51C-related conditions. Invitae Evidence Modeling of protein sequence and biophysical properties (such as structural, functional, and spatial information, amino acid conservation, physicochemical variation, residue mobility, and thermodynamic stability) indicates that this missense variant is expected to disrupt RAD51C protein function with a positive predictive value of 80%. In summary, the available evidence is currently insufficient to determine the role of this variant in disease. Therefore, it has been classified as a Variant of Uncertain Significance.

NM_058216.3(RAD51C):c.323A>T (p.Asp108Val)

Gene: RAD51C (RAD51 paralog C; plus strand). Cytogenetic location: 17q22.
Variant type: single nucleotide variant.
Coding change: c.323A>T on transcript NM_058216.3 (MANE Select); coding-DNA position 323, A replaced by T.
Protein change: p.Asp108Val; replaces aspartic acid 108 with valine.
Molecular consequence: missense variant. On other transcripts: non-coding transcript variant (2).
Genome position (GRCh38, 1-based): chr17:58,695,108, A>T. VCF-style: chr17-58695108-A-T. GRCh37 (hg19) VCF-style: chr17-56772469-A-T.
Other names: c.323A>T, p.Asp108Val (NM_002876.4); short protein forms D108V.
Identifiers: ClinVar variation 3722112 (VCV003722112.2).